The following is an entry in ClinVar:

NM_001103.4(ACTN2):c.441G>A (p.Ser147=)

Gene: ACTN2 (actinin alpha 2; plus strand). Cytogenetic location: 1q43.
Variant type: single nucleotide variant.
Coding change: c.441G>A on transcript NM_001103.4 (MANE Select); coding-DNA position 441, G replaced by A.
Protein change: p.Ser147=; no amino-acid change (serine 147 retained).
Molecular consequence: synonymous variant. On other transcripts: 5 prime UTR variant (1).
Genome position (GRCh38, 1-based): chr1:236,720,184, G>A. VCF-style: chr1-236720184-G-A. GRCh37 (hg19) VCF-style: chr1-236883484-G-A.
Other names: p.S147S:TCG>TCA; c.441G>A, p.Ser147= (NM_001278343.2); c.-381G>A (NM_001278344.2).
Identifiers: ClinVar variation 136284 (VCV000136284.27), dbSNP rs150182164, ClinGen allele CA333041.

ClinVar aggregate classification (germline): Benign/Likely benign. Review status: criteria provided, multiple submitters, no conflicts (2 of 4 stars). 10 submissions from 10 submitters: Benign (4); Likely benign (4). 2 of the submissions do not count toward it. Last evaluated 2026-02-02.

Conditions:
Cardiovascular phenotype. Identifiers: MedGen CN230736.
Cardiomyopathy (CMYO). Also called: Cardiomyopathies. Identifiers: Orphanet 167848, MedGen C0878544, MONDO:0004994, HP:0001638. Inheritance: Various modes of inheritance.
Dilated cardiomyopathy 1AA (CMD1AA). Also called: CARDIOMYOPATHY, DILATED, 1AA, WITH OR WITHOUT LEFT VENTRICULAR NONCOMPACTION; CARDIOMYOPATHY, FAMILIAL HYPERTROPHIC, 23, WITH OR WITHOUT LEFT VENTRICULAR NONCOMPACTION; Cardiomyopathy, dilated, 1AA, with or without LVNC. Identifiers: Orphanet 154, MedGen C2677338, MONDO:0012808, OMIM 612158.
Primary familial hypertrophic cardiomyopathy (HCM). Identifiers: Orphanet 99739, MedGen C0949658, MeSH D024741, MONDO:0024573. Inheritance: Various modes of inheritance.

Allele frequency attached by ClinVar (database versions not stated): gnomAD 0.00101 and 0.00107; TOPMed 0.00107; ESP Exome Variant Server 0.00108; 1000 Genomes Project 0.00140; 1000 Genomes Project 30x 0.00156.
gnomAD v4.1: 339 of 1,612,532 alleles (0.021%); highest among the groups gnomAD compares: African/African-American, 0.34%; no homozygotes.

Submissions (10):

Labcorp Genetics (formerly Invitae), Labcorp
Classification: Benign for Primary familial hypertrophic cardiomyopathy; Dilated cardiomyopathy 1AA. Last evaluated: 2026-02-02. Review status: criteria provided, single submitter. Criteria: Invitae Variant Classification Sherloc (09022015). Collection method: clinical testing. Allele origin: germline.

Molecular Diagnostic Laboratory for Inherited Cardiovascular Disease, Montreal Heart Institute
Classification: Likely benign. Last evaluated: 2025-04-09. Review status: criteria provided, single submitter. Criteria: ACMG Guidelines, 2015. Collection method: clinical testing. Allele origin: germline. Affected: no.

Blueprint Genetics
Classification: Likely benign. Last evaluated: 2024-02-29. Review status: criteria provided, single submitter. Criteria: ACMG Guidelines, 2015. Collection method: clinical testing. Allele origin: germline.

CHEO Genetics Diagnostic Laboratory, Children's Hospital of Eastern Ontario
Classification: Likely benign for Cardiomyopathy. Last evaluated: 2016-07-04. Review status: criteria provided, single submitter. Criteria: ACMG Guidelines, 2015. Collection method: clinical testing. Allele origin: germline. Study: Canadian Open Genetics Repository.

Ambry Genetics
Classification: Likely benign for Cardiovascular phenotype. Last evaluated: 2016-05-26. Review status: criteria provided, single submitter. Criteria: Ambry Variant Classification Scheme 2023. Collection method: clinical testing. Allele origin: germline.

Women's Health and Genetics/Laboratory Corporation of America, LabCorp
Classification: Benign. Last evaluated: 2016-04-15. Review status: criteria provided, single submitter. Criteria: LabCorp Variant Classification Summary - May 2015. Collection method: clinical testing. Allele origin: germline.
Comment: Variant summary: Variant Summary: The c.441G.A (p.Ser147=) in ACTN2 gene is a synonymous change that involves a non-conserved nucleotide with a prediction of being a "disease-causing" by mutation taster. 4/5 programs in Alamut predict that this variant does not affect normal splicing, however no functional studies supporting this notion were published at the time of evaluation. The variant is present in the control population dataset of ExAC at an overall allele frequency of 0.036% (44/121320 chrs tested), mainly in individuals of African descent (0.32%; 33/10388 chrs tested). The observed frequency exceeds the maximum expected allele frequency for a pathogenic ACTN2 variant (0.0025%), suggesting that it is a common polymorphism. The variant of interest has not, to our knowledge, been reported in affected individuals via published reports. Lastly, the variant has been reported as Benign by a reputable database/clinical laboratory. Taken together, the variant was classified as Benign.

GeneDx
Classification: Benign. Last evaluated: 2014-03-26. Review status: criteria provided, single submitter. Criteria: GeneDx Variant Classification (06012015). Collection method: clinical testing. Allele origin: germline. Affected: yes.
Comment: This variant is considered likely benign or benign based on one or more of the following criteria: it is a conservative change, it occurs at a poorly conserved position in the protein, it is predicted to be benign by multiple in silico algorithms, and/or has population frequency not consistent with disease.

Laboratory for Molecular Medicine, Mass General Brigham Personalized Medicine
Classification: Benign. Last evaluated: 2012-03-19. Review status: criteria provided, single submitter. Criteria: LMM Criteria. Collection method: clinical testing. Allele origin: germline. Observed: 1 variant allele.
Comment: p.Ser147Ser in Exon 04 of ACTN2: This variant is not expected to have clinical significance because it does not alter an amino acid residue, is not located within the splice consensus sequence and has been identified in 0.4% (14/3738) of African American chromosomes from a broad population by the NHLBI Exome Sequencing Project (dbSNP rs150182164).

Clinical Genetics DNA and cytogenetics Diagnostics Lab, Erasmus MC, Erasmus Medical Center
Classification: Benign. Review status: no assertion criteria provided. Collection method: clinical testing. Allele origin: germline. Affected: yes. Study: VKGL Data-share Consensus. Not counted in ClinVar's aggregate classification.

Clinical Genetics, Academic Medical Center
Classification: Benign. Review status: no assertion criteria provided. Collection method: clinical testing. Allele origin: germline. Affected: yes. Study: VKGL Data-share Consensus. Not counted in ClinVar's aggregate classification.